The following is an entry in ClinVar:

ClinVar aggregate classification (germline): Uncertain significance (1 of 4 stars; one submission).

Submission:

Women's Health and Genetics/Laboratory Corporation of America, LabCorp
Classification: Uncertain significance. Last evaluated: 2026-04-08. Review status: criteria provided, single submitter. Criteria: LabCorp Variant Classification Summary - May 2015. Collection method: clinical testing. Allele origin: germline.
Comment: Variant summary: IKBKG c.1059C>G (p.Ile353Met) results in a conservative amino acid change in the encoded protein sequence. Algorithms developed to predict the effect of missense changes on protein structure and function are either unavailable or do not agree on the potential impact of this missense change. The variant allele was found at a frequency of 4.2e-05 in 47314 control chromosomes. The available data on variant occurrences in the general population are insufficient to allow any conclusion about variant significance. To our knowledge, no occurrence of c.1059C>G in individuals affected with IKBKG-related conditions and no experimental evidence demonstrating its impact on protein function have been reported. No submitters have cited clinical-significance assessments for this variant to ClinVar. Based on the evidence outlined above, the variant was classified as uncertain significance.

NM_001099857.5(IKBKG):c.1059C>G (p.Ile353Met)

Gene: IKBKG (inhibitor of nuclear factor kappa B kinase regulatory subunit gamma; plus strand). Cytogenetic location: Xq28.
Variant type: single nucleotide variant.
Coding change: c.1059C>G on transcript NM_001099857.5 (MANE Select); coding-DNA position 1059, C replaced by G.
Protein change: p.Ile353Met; replaces isoleucine 353 with methionine.
Molecular consequence: missense variant. On other transcripts: non-coding transcript variant (1).
Genome position (GRCh38, 1-based): chrX:154,563,962, C>G. VCF-style: chrX-154563962-C-G. GRCh37 (hg19) VCF-style: chrX-153792177-C-G.
Other names: c.1263C>G, p.Ile421Met (NM_001099856.6); c.762C>G, p.Ile254Met (NM_001145255.4); c.1059C>G, p.Ile353Met (NM_001321396.3, NM_001377312.1, NM_003639.4); c.1056C>G, p.Ile352Met (NM_001321397.3, NM_001377313.1); c.903C>G, p.Ile301Met (NM_001377314.1); c.690C>G, p.Ile230Met (NM_001377315.1); short protein forms I230M, I254M, I301M, I352M, I353M, I421M.
Identifiers: ClinVar variation 4848752 (VCV004848752.1).
Genomic context (GRCh38, chrX:154,563,962, plus strand): 5'-CAGCCAAGGAGCTTTACAGAAATGCGTGGCTTGACTGGACGGTTTCTGTTTCCAAAGGAT[C>G]GAGGACATGAGGAAGCGGCATGTCGAGGTCTCCCAGGCCCCCTTGCCCCCCGCCCCTGGT-3'
Protein context (NP_001093327.1, residues 343-363): LKASCQESAR[Ile353Met]EDMRKRHVEV